The following is an entry in ClinVar:

ClinVar aggregate classification (germline): Uncertain significance (1 of 4 stars; one submission).

Conditions:
Myofibrillar myopathy 5. Also called: FILAMINOPATHY, AUTOSOMAL DOMINANT; Filaminopathy (type). Identifiers: Orphanet 171445, MedGen C1836050, MONDO:0012289, OMIM 609524.
Distal myopathy with posterior leg and anterior hand involvement. Also called: WILLIAMS DISTAL MYOPATHY. Identifiers: Orphanet 63273, MedGen C3279722, MONDO:0013550, OMIM 614065.
Hypertrophic cardiomyopathy 26. Also called: Cardiomyopathy, familial hypertrophic, 26. Identifiers: Orphanet 75249, MedGen C4310749, MONDO:0014883, OMIM 617047.

Submission:

Labcorp Genetics (formerly Invitae), Labcorp
Classification: Uncertain significance for Distal myopathy with posterior leg and anterior hand involvement; Myofibrillar myopathy 5; Hypertrophic cardiomyopathy 26. Last evaluated: 2021-01-06. Review status: criteria provided, single submitter. Criteria: Invitae Variant Classification Sherloc (09022015). Collection method: clinical testing. Allele origin: germline.
Comment: In summary, the available evidence is currently insufficient to determine the role of this variant in disease. Therefore, it has been classified as a Variant of Uncertain Significance. Algorithms developed to predict the effect of missense changes on protein structure and function are either unavailable or do not agree on the potential impact of this missense change (SIFT: "Deleterious"; PolyPhen-2: "Probably Damaging"; Align-GVGD: "Class C0"). This variant has not been reported in the literature in individuals with FLNC-related conditions. This variant is not present in population databases (ExAC no frequency). This sequence change replaces valine with glycine at codon 2017 of the FLNC protein (p.Val2017Gly). The valine residue is highly conserved and there is a moderate physicochemical difference between valine and glycine.

NM_001458.5(FLNC):c.6050T>G (p.Val2017Gly)

Genes: FLNC-AS1 (FLNC antisense RNA 1; minus strand), FLNC (filamin C; plus strand). Cytogenetic location: 7q32.1.
Variant type: single nucleotide variant.
Coding change: c.6050T>G on transcript NM_001458.5 (MANE Select); coding-DNA position 6050, T replaced by G.
Protein change: p.Val2017Gly; replaces valine 2017 with glycine.
Molecular consequence: missense variant.
Genome position (GRCh38, 1-based): chr7:128,852,873, T>G. VCF-style: chr7-128852873-T-G. GRCh37 (hg19) VCF-style: chr7-128492927-T-G.
Other names: c.5951T>G, p.Val1984Gly (NM_001127487.2); short protein forms V1984G, V2017G.
Identifiers: ClinVar variation 1362854 (VCV001362854.8), dbSNP rs2128938884, ClinGen allele CA369211064.